The following is an entry in ClinVar:

ClinVar aggregate classification (germline): Uncertain significance (1 of 4 stars; one submission).

Conditions:
Deficiency of adenosine deaminase 2. Also called: Polyarteritis nodosa, childhoood-onset; Adenosine Deaminase 2 Deficiency; VASCULITIS, AUTOINFLAMMATION, IMMUNODEFICIENCY, AND HEMATOLOGIC DEFECTS SYNDROME. Identifiers: Orphanet 404553, MedGen C3887654, MONDO:0014306, OMIM 615688, MONDO:0100317.

Submission:

Labcorp Genetics (formerly Invitae), Labcorp
Classification: Uncertain significance for Deficiency of adenosine deaminase 2. Last evaluated: 2023-07-26. Review status: criteria provided, single submitter. Criteria: Invitae Variant Classification Sherloc (09022015). Collection method: clinical testing. Allele origin: germline.
Comment: This sequence change replaces aspartic acid, which is acidic and polar, with glycine, which is neutral and non-polar, at codon 238 of the ADA2 protein (p.Asp238Gly). This variant is not present in population databases (gnomAD no frequency). This variant has not been reported in the literature in individuals affected with ADA2-related conditions. Advanced modeling of protein sequence and biophysical properties (such as structural, functional, and spatial information, amino acid conservation, physicochemical variation, residue mobility, and thermodynamic stability) performed at Invitae indicates that this missense variant is expected to disrupt ADA2 protein function. In summary, the available evidence is currently insufficient to determine the role of this variant in disease. Therefore, it has been classified as a Variant of Uncertain Significance.

NM_001282225.2(ADA2):c.713A>G (p.Asp238Gly)

Gene: ADA2 (adenosine deaminase 2; minus strand). Cytogenetic location: 22q11.1.
Variant type: single nucleotide variant.
Coding change: c.713A>G on transcript NM_001282225.2 (MANE Select); coding-DNA position 713, A replaced by G.
Protein change: p.Asp238Gly; replaces aspartic acid 238 with glycine.
Molecular consequence: missense variant.
Genome position (GRCh38, 1-based): chr22:17,203,603, T>C on the plus strand (A>G on the coding strand, the complement: ADA2 is on the minus strand). VCF-style: chr22-17203603-T-C. GRCh37 (hg19) VCF-style: chr22-17684493-T-C.
Other names: c.713A>G, p.Asp238Gly (NM_001282226.2); c.587A>G, p.Asp196Gly (NM_001282227.2, NM_001282228.2); c.353A>G, p.Asp118Gly (NM_001282229.2); short protein forms D118G, D238G, D196G.
Identifiers: ClinVar variation 2899922 (VCV002899922.3), dbSNP rs2517346172, ClinGen allele CA410227988.